The following is an entry in ClinVar:

ClinVar aggregate classification (germline): Likely benign (1 of 4 stars; one submission).

Conditions:
TBX3-related disorder. Also called: TBX3-related condition.

gnomAD v4.1: 5 of 1,543,012 alleles (0.00032%); highest among the groups gnomAD compares: Admixed American, 0.002%; no homozygotes.

Submission:

PreventionGenetics, part of Exact Sciences
Classification: Likely benign for TBX3-related condition. Last evaluated: 2024-12-03. Review status: criteria provided, single submitter. Criteria: ACMG Guidelines, 2015. Collection method: clinical testing. Allele origin: germline.
Comment: This variant is classified as likely benign based on ACMG/AMP sequence variant interpretation guidelines (Richards et al. 2015 PMID: 25741868, with internal and published modifications).

NM_005996.4(TBX3):c.1332G>C (p.Pro444=)

Gene: TBX3 (T-box transcription factor 3; minus strand). Cytogenetic location: 12q24.21.
Variant type: single nucleotide variant.
Coding change: c.1332G>C on transcript NM_005996.4 (MANE Select); coding-DNA position 1332, G replaced by C.
Protein change: p.Pro444=; no amino-acid change (proline 444 retained).
Molecular consequence: synonymous variant.
Genome position (GRCh38, 1-based): chr12:114,674,543, C>G on the plus strand (G>C on the coding strand, the complement: TBX3 is on the minus strand). VCF-style: chr12-114674543-C-G. GRCh37 (hg19) VCF-style: chr12-115112348-C-G.
Other names: c.1392G>C, p.Pro464= (NM_016569.4).
Identifiers: ClinVar variation 5001738 (VCV005001738.1).